The following is an entry in ClinVar:

NM_002661.5(PLCG2):c.971C>G (p.Ser324Cys)

Gene: PLCG2 (phospholipase C gamma 2; plus strand). Cytogenetic location: 16q23.3.
Variant type: single nucleotide variant.
Coding change: c.971C>G on transcript NM_002661.5 (MANE Select); coding-DNA position 971, C replaced by G.
Protein change: p.Ser324Cys; replaces serine 324 with cysteine.
Molecular consequence: missense variant.
Genome position (GRCh38, 1-based): chr16:81,891,575, C>G. VCF-style: chr16-81891575-C-G. GRCh37 (hg19) VCF-style: chr16-81925180-C-G.
Other names: short protein forms S324C.
Identifiers: ClinVar variation 2414835 (VCV002414835.6), dbSNP rs759069790, ClinGen allele CA8193522.
Genomic context (GRCh38, chr16:81,891,575, plus strand): 5'-AGAAGTATGACGCGGTGGACATGCAGGACATGAACAACCCCCTGTCTCATTACTGGATCT[C>G]CTCGTCACATAACACGTGAGTTTCAGATGAGCCTGTGATGGGTTGGGCAGCACAGAGCAC-3'
Protein context (NP_002652.2, residues 314-334): MNNPLSHYWI[Ser324Cys]SSHNTYLTGD

ClinVar aggregate classification (germline): Uncertain significance (1 of 4 stars; one submission).

Conditions:
Familial cold autoinflammatory syndrome 3 (FCAS3). Also called: FAMILIAL ATYPICAL COLD URTICARIA; ANTIBODY DEFICIENCY AND IMMUNE DYSREGULATION, PLCG2-ASSOCIATED. Identifiers: Orphanet 300359, MedGen C3280914, MONDO:0013766, OMIM 614468.

Allele frequency attached by ClinVar (database versions not stated): ExAC 0.00001; gnomAD 0.00001.
gnomAD v4.1: 5 of 1,584,526 alleles (0.00032%); highest among the groups gnomAD compares: Admixed American, 0.0067%; no homozygotes.

Submission:

Labcorp Genetics (formerly Invitae), Labcorp
Classification: Uncertain significance for Familial cold autoinflammatory syndrome 3. Last evaluated: 2022-10-27. Review status: criteria provided, single submitter. Criteria: Invitae Variant Classification Sherloc (09022015). Collection method: clinical testing. Allele origin: germline.
Comment: In summary, the available evidence is currently insufficient to determine the role of this variant in disease. Therefore, it has been classified as a Variant of Uncertain Significance. Algorithms developed to predict the effect of missense changes on protein structure and function are either unavailable or do not agree on the potential impact of this missense change (SIFT: "Deleterious"; PolyPhen-2: "Probably Damaging"; Align-GVGD: "Class C15"). This variant has not been reported in the literature in individuals affected with PLCG2-related conditions. This variant is present in population databases (rs759069790, gnomAD 0.009%). This sequence change replaces serine, which is neutral and polar, with cysteine, which is neutral and slightly polar, at codon 324 of the PLCG2 protein (p.Ser324Cys).